The following is an entry in ClinVar:

NM_003105.6(SORL1):c.4846G>C (p.Val1616Leu)

Gene: SORL1 (sortilin related receptor 1; plus strand). Cytogenetic location: 11q24.1.
Variant type: single nucleotide variant.
Coding change: c.4846G>C on transcript NM_003105.6 (MANE Select); coding-DNA position 4846, G replaced by C.
Protein change: p.Val1616Leu; replaces valine 1616 with leucine.
Molecular consequence: missense variant.
Genome position (GRCh38, 1-based): chr11:121,605,469, G>C. VCF-style: chr11-121605469-G-C. GRCh37 (hg19) VCF-style: chr11-121476178-G-C.
Other names: c.4846G>C (NM_003105.5); short protein forms V1616L.
Identifiers: ClinVar variation 2913836 (VCV002913836.4), dbSNP rs148412508, ClinGen allele CA6329762.

ClinVar aggregate classification (germline): Uncertain significance. Review status: criteria provided, multiple submitters, no conflicts (2 of 4 stars). 2 submissions from 2 submitters: Uncertain significance (2). Last evaluated 2025-08-07.

Allele frequency attached by ClinVar (database versions not stated): gnomAD 0.00003; TOPMed 0.00006; ESP Exome Variant Server 0.00023.
gnomAD v4.1: 52 of 1,614,008 alleles (0.0032%); highest among the groups gnomAD compares: Middle Eastern, 0.016%; no homozygotes.

Submissions (2):

Ambry Genetics
Classification: Uncertain significance. Last evaluated: 2025-08-07. Review status: criteria provided, single submitter. Criteria: Ambry Variant Classification Scheme 2023. Collection method: clinical testing. Allele origin: germline.

Labcorp Genetics (formerly Invitae), Labcorp
Classification: Uncertain significance. Last evaluated: 2024-05-20. Review status: criteria provided, single submitter. Criteria: Invitae Variant Classification Sherloc (09022015). Collection method: clinical testing. Allele origin: germline.
Comment: This sequence change replaces valine, which is neutral and non-polar, with leucine, which is neutral and non-polar, at codon 1616 of the SORL1 protein (p.Val1616Leu). This variant is present in population databases (rs148412508, gnomAD 0.02%). This variant has not been reported in the literature in individuals affected with SORL1-related conditions. An algorithm developed to predict the effect of missense changes on protein structure and function (PolyPhen-2) suggests that this variant is likely to be tolerated. In summary, the available evidence is currently insufficient to determine the role of this variant in disease. Therefore, it has been classified as a Variant of Uncertain Significance.